The following is an entry in ClinVar:

NM_001009944.3(PKD1):c.7066-9C>T

Gene: PKD1 (polycystin 1, transient receptor potential channel interacting; minus strand). Cytogenetic location: 16p13.3.
Variant type: single nucleotide variant.
Coding change: c.7066-9C>T on transcript NM_001009944.3 (MANE Select); 9 bases into the intron before coding-DNA position 7066, C replaced by T.
Molecular consequence: intron variant.
Genome position (GRCh38, 1-based): chr16:2,106,957, G>A on the plus strand (C>T on the coding strand, the complement: PKD1 is on the minus strand). VCF-style: chr16-2106957-G-A. GRCh37 (hg19) VCF-style: chr16-2156958-G-A.
Other names: c.7066-9C>T (NM_000296.4).
Identifiers: ClinVar variation 3045143 (VCV003045143.2), dbSNP rs760654069, ClinGen allele CA7831304.

ClinVar aggregate classification (germline): Likely benign (0 of 4 stars; one submission).

Conditions:
PKD1-related disorder. Also called: PKD1-related condition.

gnomAD v4.1: 16 of 1,584,710 alleles (0.001%); highest among the groups gnomAD compares: African/African-American, 0.015%; no homozygotes.

Submission:

PreventionGenetics, part of Exact Sciences
Classification: Likely benign for PKD1-related condition. Last evaluated: 2019-10-30. Review status: no assertion criteria provided. Collection method: clinical testing. Allele origin: germline.
Comment: This variant is classified as likely benign based on ACMG/AMP sequence variant interpretation guidelines (Richards et al. 2015 PMID: 25741868, with internal and published modifications).